The following is an entry in ClinVar:

NM_001252024.2(TRPM1):c.814G>A (p.Val272Met)

Gene: TRPM1 (transient receptor potential cation channel subfamily M member 1; minus strand). Cytogenetic location: 15q13.3.
Variant type: single nucleotide variant.
Coding change: c.814G>A on transcript NM_001252024.2 (MANE Select); coding-DNA position 814, G replaced by A.
Protein change: p.Val272Met; replaces valine 272 with methionine.
Molecular consequence: missense variant.
Genome position (GRCh38, 1-based): chr15:31,063,269, C>T on the plus strand (G>A on the coding strand, the complement: TRPM1 is on the minus strand). VCF-style: chr15-31063269-C-T. GRCh37 (hg19) VCF-style: chr15-31355472-C-T.
Other names: c.865G>A, p.Val289Met (NM_001252020.2); c.748G>A, p.Val250Met (NM_002420.6); c.748G>A (NM_002420.4); short protein forms V250M, V272M, V289M.
Identifiers: ClinVar variation 1009419 (VCV001009419.6), dbSNP rs555066398, ClinGen allele CA7452792.

ClinVar aggregate classification (germline): Uncertain significance. Review status: criteria provided, multiple submitters, no conflicts (2 of 4 stars). 3 submissions from 3 submitters: Uncertain significance (3). Last evaluated 2024-11-11.

Conditions:
Inborn genetic diseases. Identifiers: MedGen C0950123, MeSH D030342.

Allele frequency attached by ClinVar (database versions not stated): gnomAD exomes 0.00003 and 0.00004; TOPMed 0.00003; ExAC 0.00004; gnomAD 0.00004; 1000 Genomes Project 30x 0.00016; 1000 Genomes Project 0.00020.
gnomAD v4.1: 46 of 1,614,150 alleles (0.0028%); highest among the groups gnomAD compares: Middle Eastern, 0.016%; no homozygotes.

Submissions (3):

Ambry Genetics
Classification: Uncertain significance for Inborn genetic diseases. Last evaluated: 2024-11-11. Review status: criteria provided, single submitter. Criteria: Ambry Variant Classification Scheme 2023. Collection method: clinical testing. Allele origin: germline.

Blueprint Genetics
Classification: Uncertain significance. Last evaluated: 2024-09-09. Review status: criteria provided, single submitter. Criteria: ACMG Guidelines, 2015. Collection method: clinical testing. Allele origin: germline.

Labcorp Genetics (formerly Invitae), Labcorp
Classification: Uncertain significance. Last evaluated: 2022-09-27. Review status: criteria provided, single submitter. Criteria: Invitae Variant Classification Sherloc (09022015). Collection method: clinical testing. Allele origin: germline.
Comment: This sequence change replaces valine, which is neutral and non-polar, with methionine, which is neutral and non-polar, at codon 250 of the TRPM1 protein (p.Val250Met). This variant is present in population databases (rs555066398, gnomAD 0.01%). This variant has not been reported in the literature in individuals affected with TRPM1-related conditions. ClinVar contains an entry for this variant (Variation ID: 1009419). Advanced modeling of protein sequence and biophysical properties (such as structural, functional, and spatial information, amino acid conservation, physicochemical variation, residue mobility, and thermodynamic stability) has been performed at Invitae for this missense variant, however the output from this modeling did not meet the statistical confidence thresholds required to predict the impact of this variant on TRPM1 protein function. In summary, the available evidence is currently insufficient to determine the role of this variant in disease. Therefore, it has been classified as a Variant of Uncertain Significance.